The following is an entry in ClinVar:

NM_001385.3(DPYS):c.1091T>C (p.Val364Ala)

Gene: DPYS (dihydropyrimidinase; minus strand). Cytogenetic location: 8q22.3.
Variant type: single nucleotide variant.
Coding change: c.1091T>C on transcript NM_001385.3 (MANE Select); coding-DNA position 1091, T replaced by C.
Protein change: p.Val364Ala; replaces valine 364 with alanine.
Molecular consequence: missense variant.
Genome position (GRCh38, 1-based): chr8:104,427,981, A>G on the plus strand (T>C on the coding strand, the complement: DPYS is on the minus strand). VCF-style: chr8-104427981-A-G. GRCh37 (hg19) VCF-style: chr8-105440209-A-G.
Other names: short protein forms V364A.
Identifiers: ClinVar variation 4766043 (VCV004766043.1).

ClinVar aggregate classification (germline): Uncertain significance (1 of 4 stars; one submission).

gnomAD v4.1: 3 of 1,614,088 alleles (0.00019%); highest among the groups gnomAD compares: Non-Finnish European, 0.00025%; no homozygotes.

Submission:

Labcorp Genetics (formerly Invitae), Labcorp
Classification: Uncertain significance. Last evaluated: 2025-03-27. Review status: criteria provided, single submitter. Criteria: Invitae Variant Classification Sherloc (09022015). Collection method: clinical testing. Allele origin: germline.
Comment: This sequence change replaces valine, which is neutral and non-polar, with alanine, which is neutral and non-polar, at codon 364 of the DPYS protein (p.Val364Ala). This variant is not present in population databases (gnomAD no frequency). This variant has not been reported in the literature in individuals affected with DPYS-related conditions. An algorithm developed to predict the effect of missense changes on protein structure and function (PolyPhen-2) suggests that this variant is likely to be disruptive. In summary, the available evidence is currently insufficient to determine the role of this variant in disease. Therefore, it has been classified as a Variant of Uncertain Significance.